The following is an entry in ClinVar:

NM_001365536.1(SCN9A):c.5525T>G (p.Leu1842Ter)

Genes: SCN1A-AS1 (SCN1A and SCN9A antisense RNA 1; plus strand), SCN9A (sodium voltage-gated channel alpha subunit 9; minus strand). Cytogenetic location: 2q24.3.
Variant type: single nucleotide variant.
Coding change: c.5525T>G on transcript NM_001365536.1 (MANE Select); coding-DNA position 5525, T replaced by G.
Protein change: p.Leu1842Ter; replaces leucine 1842 with a stop codon.
Molecular consequence: nonsense.
Genome position (GRCh38, 1-based): chr2:166,199,114, A>C on the plus strand (T>G on the coding strand, the complement: SCN9A is on the minus strand). VCF-style: chr2-166199114-A-C. GRCh37 (hg19) VCF-style: chr2-167055624-A-C.
Other names: c.5492T>G, p.Leu1831Ter (NM_002977.4); short protein forms L1831*, L1842*.
Identifiers: ClinVar variation 5043370 (VCV005043370.1).

ClinVar aggregate classification (germline): Uncertain significance (1 of 4 stars; one submission).

Conditions:
Primary erythromelalgia. Also called: SCN9A Erythromelalgia (SCN9A-EM); primary erythermalgia. Identifiers: Orphanet 306577, Orphanet 90026, MedGen C0014805, MONDO:0007571, OMIM 133020.

gnomAD v4.1: 10 of 1,614,174 alleles (0.00062%); highest among the groups gnomAD compares: Non-Finnish European, 0.00085%; no homozygotes.

Submission:

Clinical Genetics Laboratory, Skane University Hospital Lund
Classification: Uncertain significance for Primary erythromelalgia. Last evaluated: 2026-11-18. Review status: criteria provided, single submitter. Criteria: ACMG Guidelines, 2015. Collection method: clinical testing. Allele origin: germline. Affected: yes. Observed: 1 variant allele.
Comment: PM2